The following is an entry in ClinVar:

NM_198253.3(TERT):c.1397G>C (p.Arg466Pro)

Gene: TERT (telomerase reverse transcriptase; minus strand). Cytogenetic location: 5p15.33.
Variant type: single nucleotide variant.
Coding change: c.1397G>C on transcript NM_198253.3 (MANE Select); coding-DNA position 1397, G replaced by C.
Protein change: p.Arg466Pro; replaces arginine 466 with proline.
Molecular consequence: missense variant. On other transcripts: non-coding transcript variant (2).
Genome position (GRCh38, 1-based): chr5:1,293,489, C>G on the plus strand (G>C on the coding strand, the complement: TERT is on the minus strand). VCF-style: chr5-1293489-C-G. GRCh37 (hg19) VCF-style: chr5-1293604-C-G.
Other names: p.Arg466Pro; c.1397G>C, p.Arg466Pro (NM_001193376.3); c.1397G>C (NM_198253.2); short protein forms R466P.
Identifiers: ClinVar variation 1695956 (VCV001695956.2), dbSNP rs2478410245, ClinGen allele CA359085795.
Genomic context (GRCh38, chr5:1,293,489, plus strand): 5'-CGGCGTTCGTTGTGCCTGGAGCCCCAGAGGCCTGGGGGCACCAGCCGGCGCAGGCAGGCC[C>G]GCACGAAGCCGTACACCTGCCAGGGGCTGCTGTGCTGGCGGAGCAGCTGCACCAGGCGAC-3'
Protein context (NP_937983.2, residues 456-476): SSPWQVYGFV[Arg466Pro]ACLRRLVPPG

ClinVar aggregate classification (germline): Uncertain significance. Review status: criteria provided, single submitter (1 of 4 stars). 2 submissions from 2 submitters: Uncertain significance (1). 1 of the submissions does not count toward it. Last evaluated 2025-01-27.

Conditions:
Pulmonary fibrosis. Identifiers: MedGen C0034069, MONDO:0002771, HP:0002206.

Submissions (2):

GeneDx
Classification: Uncertain significance. Last evaluated: 2025-01-27. Review status: criteria provided, single submitter. Criteria: GeneDx Variant Classification Process June 2021. Collection method: clinical testing. Allele origin: germline. Affected: yes.
Comment: Not observed at significant frequency in large population cohorts (gnomAD); In silico analysis supports that this missense variant has a deleterious effect on protein structure/function; Identified in a patient with pulmonary fibrosis, however additional clinical information was not provided (PMID: 28192371); This variant is associated with the following publications: (PMID: 28192371, 36028256)

Garcia Pulmonary Genetics Research Laboratory, Columbia University Irving Medical Center
Classification: Likely risk allele for Pulmonary fibrosis. Last evaluated: 2022-06-09. Review status: no assertion criteria provided. Collection method: research. Allele origin: germline. Affected: yes. Not counted in ClinVar's aggregate classification.
Comment: Leukocyte telomere length (by qPCR) less than 10th percentile age-adjusted